The following is an entry in ClinVar:

NM_002936.6(RNASEH1):c.65C>T (p.Ser22Phe)

Genes: RNASEH1 (ribonuclease H1; minus strand), LOC129933002 (ATAC-STARR-seq lymphoblastoid active region 15231; plus strand). Cytogenetic location: 2p25.3.
Variant type: single nucleotide variant.
Coding change: c.65C>T on transcript NM_002936.6 (MANE Select); coding-DNA position 65, C replaced by T.
Protein change: p.Ser22Phe; replaces serine 22 with phenylalanine.
Molecular consequence: missense variant. On other transcripts: 5 prime UTR variant (2), non-coding transcript variant (7).
Genome position (GRCh38, 1-based): chr2:3,558,196, G>A on the plus strand (C>T on the coding strand, the complement: RNASEH1 is on the minus strand). VCF-style: chr2-3558196-G-A. GRCh37 (hg19) VCF-style: chr2-3605786-G-A.
Other names: c.-14C>T (NM_001286834.3); c.-525C>T (NM_001286837.3); c.65C>T, p.Ser22Phe (NM_001378271.1, NM_001378272.1, NM_001378273.1); c.65C>T (NM_002936.3); short protein forms S22F.
Identifiers: ClinVar variation 2167915 (VCV002167915.3), dbSNP rs1293548358, ClinGen allele CA345740112.

ClinVar aggregate classification (germline): Uncertain significance. Review status: criteria provided, multiple submitters, no conflicts (2 of 4 stars). 2 submissions from 2 submitters: Uncertain significance (2). Last evaluated 2023-01-24.

Conditions:
Inborn genetic diseases. Identifiers: MedGen C0950123, MeSH D030342.

gnomAD v4.1: 4 of 1,601,904 alleles (0.00025%); highest among the groups gnomAD compares: Admixed American, 0.0017%; no homozygotes.

Submissions (2):

Ambry Genetics
Classification: Uncertain significance for Inborn genetic diseases. Last evaluated: 2023-01-24. Review status: criteria provided, single submitter. Criteria: Ambry Variant Classification Scheme 2023. Collection method: clinical testing. Allele origin: germline.

Labcorp Genetics (formerly Invitae), Labcorp
Classification: Uncertain significance. Last evaluated: 2022-04-10. Review status: criteria provided, single submitter. Criteria: Invitae Variant Classification Sherloc (09022015). Collection method: clinical testing. Allele origin: germline.
Comment: This sequence change replaces serine, which is neutral and polar, with phenylalanine, which is neutral and non-polar, at codon 22 of the RNASEH1 protein (p.Ser22Phe). This variant is present in population databases (no rsID available, gnomAD no frequency). This variant has not been reported in the literature in individuals affected with RNASEH1-related conditions. Algorithms developed to predict the effect of missense changes on protein structure and function output the following: SIFT: "Tolerated"; PolyPhen-2: "Benign"; Align-GVGD: "Class C0". The phenylalanine amino acid residue is found in multiple mammalian species, which suggests that this missense change does not adversely affect protein function. In summary, the available evidence is currently insufficient to determine the role of this variant in disease. Therefore, it has been classified as a Variant of Uncertain Significance.